The following is an entry in ClinVar:

NM_000238.4(KCNH2):c.2927del (p.Asp976fs)

Gene: KCNH2 (potassium voltage-gated channel subfamily H member 2; minus strand). Cytogenetic location: 7q36.1.
Variant type: Deletion.
Coding change: c.2927del on transcript NM_000238.4 (MANE Select); coding-DNA position 2927, one base deleted (A; older notation c.2927delA).
Protein change: p.Asp976fs; shifts the reading frame from aspartic acid 976.
Molecular consequence: frameshift variant. On other transcripts: non-coding transcript variant (2).
Genome position (GRCh38, 1-based): chr7:150,947,644, T deleted on the plus strand (A on the coding strand, the reverse complement: KCNH2 is on the minus strand). VCF-style (leftmost placement, unchanged base first): chr7-150947643-GT-G. GRCh37 (hg19) VCF-style: chr7-150644731-GT-G.
Other names: c.2639del, p.Asp880fs (NM_001406753.1); c.1907del, p.Asp636fs (NM_172057.3); short protein forms D880fs, D636fs, D976fs.
Identifiers: ClinVar variation 2567296 (VCV002567296.2), dbSNP rs2486006461, ClinGen allele CA16609637.

ClinVar aggregate classification (germline): Pathogenic (1 of 4 stars; one submission).

Conditions:
Cardiovascular phenotype. Identifiers: MedGen CN230736.

Submission:

Ambry Genetics
Classification: Pathogenic for Cardiovascular phenotype. Last evaluated: 2023-06-06. Review status: criteria provided, single submitter. Criteria: Ambry Variant Classification Scheme 2023. Collection method: clinical testing. Allele origin: germline.
Comment: The c.2927delA pathogenic mutation, located in coding exon 12 of the KCNH2 gene, results from a deletion of one nucleotide at nucleotide position 2927, causing a translational frameshift with a predicted alternate stop codon (p.D976Afs*81). This variant has been detected in an individual reported to have long QT syndrome (Haskell GT et al. Circ Cardiovasc Genet, 2017 Jun;10). This variant is considered to be rare based on population cohorts in the Genome Aggregation Database (gnomAD). In addition to the clinical data presented in the literature, this alteration is expected to result in loss of function by premature protein truncation or nonsense-mediated mRNA decay. As such, this alteration is interpreted as a disease-causing mutation.

Literature cited by the submitters: PubMed 28611029.